The following is an entry in ClinVar:

NM_001384474.1(LOXHD1):c.2401G>T (p.Glu801Ter)

Gene: LOXHD1 (lipoxygenase homology PLAT domains 1; minus strand). Cytogenetic location: 18q21.1.
Variant type: single nucleotide variant.
Coding change: c.2401G>T on transcript NM_001384474.1 (MANE Select); coding-DNA position 2401, G replaced by T.
Protein change: p.Glu801Ter; replaces glutamic acid 801 with a stop codon.
Molecular consequence: nonsense.
Genome position (GRCh38, 1-based): chr18:46,566,293, C>A on the plus strand (G>T on the coding strand, the complement: LOXHD1 is on the minus strand). VCF-style: chr18-46566293-C-A. GRCh37 (hg19) VCF-style: chr18-44146256-C-A.
Other names: c.2401G>T (NM_144612.6); c.2401G>T, p.Glu801Ter (NM_144612.7); short protein forms E801*.
Identifiers: ClinVar variation 1076849 (VCV001076849.8), dbSNP rs770068342, ClinGen allele CA402373799.

ClinVar aggregate classification (germline): Pathogenic/Likely pathogenic. Review status: criteria provided, multiple submitters, no conflicts (2 of 4 stars). 2 submissions from 2 submitters: Pathogenic (1); Likely pathogenic (1). Last evaluated 2024-11-29.

Conditions:
Autosomal recessive nonsyndromic hearing loss 77. Identifiers: Orphanet 90636, MedGen C2746083, MONDO:0013119, OMIM 613079.

gnomAD v4.1: 1 of 1,551,858 alleles (0.000064%); highest among the groups gnomAD compares: Non-Finnish European, 0.000087%; no homozygotes.

Submissions (2):

Natera, Inc.
Classification: Likely pathogenic for Autosomal recessive deafness type 77. Last evaluated: 2024-11-29. Review status: criteria provided, single submitter. Criteria: Natera Variant Classification Schema (03/2026). Collection method: clinical testing. Allele origin: germline.
Comment: The c.2401G>T variant in LOXHD1 is a nonsense variant predicted to introduce a stop codon at amino acid 801. This variant is expected to result in nonsense mediated decay, truncation, or a dysfunctional protein product. This variant is rare in the general population with a frequency below the threshold expected for the associated phenotype(s). Given the available evidence, this variant is classified as Likely Pathogenic.

Labcorp Genetics (formerly Invitae), Labcorp
Classification: Pathogenic. Last evaluated: 2022-01-28. Review status: criteria provided, single submitter. Criteria: Invitae Variant Classification Sherloc (09022015). Collection method: clinical testing. Allele origin: germline.
Comment: For these reasons, this variant has been classified as Pathogenic. ClinVar contains an entry for this variant (Variation ID: 1076849). This variant has not been reported in the literature in individuals affected with LOXHD1-related conditions. This variant is not present in population databases (gnomAD no frequency). This sequence change creates a premature translational stop signal (p.Glu801*) in the LOXHD1 gene. It is expected to result in an absent or disrupted protein product. Loss-of-function variants in LOXHD1 are known to be pathogenic (PMID: 19732867, 21465660, 25792669).

Literature cited by the submitters: PubMed 19732867 (cited by Labcorp Genetics (formerly Invitae), Labcorp); PubMed 21465660 (cited by Labcorp Genetics (formerly Invitae), Labcorp); PubMed 25792669 (cited by Labcorp Genetics (formerly Invitae), Labcorp).